The following is an entry in ClinVar:

NM_014975.3(MAST1):c.1157+3G>A

Gene: MAST1 (microtubule associated serine/threonine kinase 1; plus strand). Cytogenetic location: 19p13.13.
Variant type: single nucleotide variant.
Coding change: c.1157+3G>A on transcript NM_014975.3 (MANE Select); 3 bases into the intron after coding-DNA position 1157, G replaced by A.
Molecular consequence: intron variant.
Genome position (GRCh38, 1-based): chr19:12,858,444, G>A. VCF-style: chr19-12858444-G-A. GRCh37 (hg19) VCF-style: chr19-12969258-G-A.
Identifiers: ClinVar variation 3675375 (VCV003675375.2).

ClinVar aggregate classification (germline): Uncertain significance (1 of 4 stars; one submission).

gnomAD v4.1: 24 of 1,613,590 alleles (0.0015%); highest among the groups gnomAD compares: African/African-American, 0.0027%; no homozygotes.

Submission:

Labcorp Genetics (formerly Invitae), Labcorp
Classification: Uncertain significance. Last evaluated: 2024-12-04. Review status: criteria provided, single submitter. Criteria: Invitae Variant Classification Sherloc (09022015). Collection method: clinical testing. Allele origin: germline.
Comment: This sequence change falls in intron 11 of the MAST1 gene. It does not directly change the encoded amino acid sequence of the MAST1 protein. It affects a nucleotide within the consensus splice site. This variant is not present in population databases (gnomAD no frequency). This variant has not been reported in the literature in individuals affected with MAST1-related conditions. Variants that disrupt the consensus splice site are a relatively common cause of aberrant splicing (PMID: 17576681, 9536098). Algorithms developed to predict the effect of sequence changes on RNA splicing suggest that this variant is not likely to affect RNA splicing. In summary, the available evidence is currently insufficient to determine the role of this variant in disease. Therefore, it has been classified as a Variant of Uncertain Significance.

Literature cited by the submitters: PubMed 17576681; PubMed 9536098.